The following is an entry in ClinVar:

ClinVar aggregate classification (germline): Likely benign (0 of 4 stars; one submission).

Conditions:
RBM27-related disorder. Also called: RBM27-related condition.

Allele frequency attached by ClinVar (database versions not stated): gnomAD 0.00001; TOPMed 0.00005; gnomAD exomes 0.00008.
gnomAD v4.1: 47 of 1,543,458 alleles (0.003%); highest among the groups gnomAD compares: Admixed American, 0.089%; 1 homozygote.

Submission:

PreventionGenetics, part of Exact Sciences
Classification: Likely benign for RBM27-related condition. Last evaluated: 2020-04-29. Review status: no assertion criteria provided. Collection method: clinical testing. Allele origin: germline.
Comment: This variant is classified as likely benign based on ACMG/AMP sequence variant interpretation guidelines (Richards et al. 2015 PMID: 25741868, with internal and published modifications).

NM_018989.2(RBM27):c.59+3G>A

Genes: RBM27 (RNA binding motif protein 27; plus strand), RBM27-POU4F3 (RBM27-POU4F3 readthrough; plus strand). Cytogenetic location: 5q32.
Variant type: single nucleotide variant.
Coding change: c.59+3G>A on transcript NM_018989.2 (MANE Select); 3 bases into the intron after coding-DNA position 59, G replaced by A.
Molecular consequence: intron variant.
Genome position (GRCh38, 1-based): chr5:146,203,827, G>A. VCF-style: chr5-146203827-G-A. GRCh37 (hg19) VCF-style: chr5-145583390-G-A.
Other names: c.59+3G>A (NM_001414499.1).
Identifiers: ClinVar variation 3053504 (VCV003053504.2), dbSNP rs777227166, ClinGen allele CA3490119.